The following is an entry in ClinVar:

ClinVar aggregate classification (germline): Uncertain significance (1 of 4 stars; one submission).

Submission:

Labcorp Genetics (formerly Invitae), Labcorp
Classification: Uncertain significance. Last evaluated: 2023-09-21. Review status: criteria provided, single submitter. Criteria: Invitae Variant Classification Sherloc (09022015). Collection method: clinical testing. Allele origin: germline.
Comment: An algorithm developed to predict the effect of missense changes on protein structure and function (PolyPhen-2) suggests that this variant is likely to be disruptive. In summary, the available evidence is currently insufficient to determine the role of this variant in disease. Therefore, it has been classified as a Variant of Uncertain Significance. Algorithms developed to predict the effect of sequence changes on RNA splicing suggest that this variant may create or strengthen a splice site. This variant has not been reported in the literature in individuals affected with CLCN5-related conditions. This variant is not present in population databases (gnomAD no frequency). This sequence change replaces serine, which is neutral and polar, with asparagine, which is neutral and polar, at codon 178 of the CLCN5 protein (p.Ser178Asn).

NM_001127898.4(CLCN5):c.743G>A (p.Ser248Asn)

Gene: CLCN5 (chloride voltage-gated channel 5; plus strand). Cytogenetic location: Xp11.23.
Variant type: single nucleotide variant.
Coding change: c.743G>A on transcript NM_001127898.4 (MANE Select); coding-DNA position 743, G replaced by A.
Protein change: p.Ser248Asn; replaces serine 248 with asparagine.
Molecular consequence: missense variant.
Genome position (GRCh38, 1-based): chrX:50,081,657, G>A. VCF-style: chrX-50081657-G-A. GRCh37 (hg19) VCF-style: chrX-49846314-G-A.
Other names: c.533G>A, p.Ser178Asn (NM_000084.5); c.743G>A, p.Ser248Asn (NM_001127899.4); c.593G>A, p.Ser198Asn (NM_001282163.2); short protein forms S248N, S178N, S198N.
Identifiers: ClinVar variation 2762441 (VCV002762441.3), dbSNP rs2519421925, ClinGen allele CA413184037.
Genomic context (GRCh38, chrX:50,081,657, plus strand): 5'-GACTTCCTTAGTCTATATTCAATCTTTCTGTGTTTAACCTGCAGATAAAAACTATCTTGA[G>A]TGGTTTCATTATTAGGGGCTATTTGGGTAAGTGGACTCTGGTTATCAAAACCATCACCTT-3'
Protein context (NP_001121370.1, residues 238-258): SGIPEIKTIL[Ser248Asn]GFIIRGYLGK